The following is an entry in ClinVar:

NM_031935.3(HMCN1):c.13001T>C (p.Val4334Ala)

Gene: HMCN1 (hemicentin 1; plus strand). Cytogenetic location: 1q31.1.
Variant type: single nucleotide variant.
Coding change: c.13001T>C on transcript NM_031935.3 (MANE Select); coding-DNA position 13001, T replaced by C.
Protein change: p.Val4334Ala; replaces valine 4334 with alanine.
Molecular consequence: missense variant.
Genome position (GRCh38, 1-based): chr1:186,130,062, T>C. VCF-style: chr1-186130062-T-C. GRCh37 (hg19) VCF-style: chr1-186099194-T-C.
Other names: short protein forms V4334A.
Identifiers: ClinVar variation 1480325 (VCV001480325.6), dbSNP rs750135200, ClinGen allele CA1294519.

ClinVar aggregate classification (germline): Uncertain significance (1 of 4 stars; one submission).

Allele frequency attached by ClinVar (database versions not stated): ExAC 0.00001; gnomAD exomes 0.00001 and 0.00002; TOPMed 0.00002.
gnomAD v4.1: 29 of 1,613,286 alleles (0.0018%); highest among the groups gnomAD compares: Non-Finnish European, 0.0021%; no homozygotes.

Submission:

Labcorp Genetics (formerly Invitae), Labcorp
Classification: Uncertain significance. Last evaluated: 2023-09-13. Review status: criteria provided, single submitter. Criteria: Invitae Variant Classification Sherloc (09022015). Collection method: clinical testing. Allele origin: germline.
Comment: In summary, the available evidence is currently insufficient to determine the role of this variant in disease. Therefore, it has been classified as a Variant of Uncertain Significance. Algorithms developed to predict the effect of missense changes on protein structure and function output the following: SIFT: "Not Available"; PolyPhen-2: "Benign"; Align-GVGD: "Not Available". The alanine amino acid residue is found in multiple mammalian species, which suggests that this missense change does not adversely affect protein function. ClinVar contains an entry for this variant (Variation ID: 1480325). This variant has not been reported in the literature in individuals affected with HMCN1-related conditions. This variant is present in population databases (rs750135200, gnomAD 0.0009%). This sequence change replaces valine, which is neutral and non-polar, with alanine, which is neutral and non-polar, at codon 4334 of the HMCN1 protein (p.Val4334Ala).